The following is an entry in ClinVar:

ClinVar aggregate classification (germline): Likely pathogenic (1 of 4 stars; one submission).

Conditions:
Amyloidosis, hereditary systemic 1 (AMYLD1). Also called: AMYLOID CARDIOMYOPATHY; Familial amyloid polyneuropathy; Transthyretin Amyloidosis; Hereditary oculoleptomeningeal amyloid angiopathy; Familial Transthyretin Amyloidosis; Hereditary Transthyretin Amyloidosis. Identifiers: Orphanet 85447, Orphanet 85451, MedGen C2751492, MONDO:0971004, OMIM 105210.

Submission:

Labcorp Genetics (formerly Invitae), Labcorp
Classification: Likely pathogenic for Amyloidosis, hereditary systemic 1. Last evaluated: 2025-07-16. Review status: criteria provided, single submitter. Criteria: Invitae Variant Classification Sherloc (09022015). Collection method: clinical testing. Allele origin: germline.
Comment: This sequence change replaces tyrosine, which is neutral and polar, with histidine, which is basic and polar, at codon 98 of the TTR protein (p.Tyr98His). This variant is not present in population databases (gnomAD no frequency). This variant has not been reported in the literature in individuals affected with TTR-related conditions. Invitae Evidence Modeling of protein sequence and biophysical properties (such as structural, functional, and spatial information, amino acid conservation, physicochemical variation, residue mobility, and thermodynamic stability) indicates that this missense variant is expected to disrupt TTR protein function with a positive predictive value of 95%. This variant disrupts the p.Tyr98 amino acid residue in TTR. Other variant(s) that disrupt this residue have been determined to be pathogenic (PMID: 12762139, 21490715, 22745357, 30604309). This suggests that this residue is clinically significant, and that variants that disrupt this residue are likely to be disease-causing. In summary, the currently available evidence indicates that the variant is pathogenic, but additional data are needed to prove that conclusively. Therefore, this variant has been classified as Likely Pathogenic.

Literature cited by the submitters: PubMed 12762139; PubMed 21490715; PubMed 22745357; PubMed 30604309.

NM_000371.4(TTR):c.292T>C (p.Tyr98His)

Gene: TTR (transthyretin; plus strand). Cytogenetic location: 18q12.1.
Variant type: single nucleotide variant.
Coding change: c.292T>C on transcript NM_000371.4 (MANE Select); coding-DNA position 292, T replaced by C.
Protein change: p.Tyr98His; replaces tyrosine 98 with histidine.
Molecular consequence: missense variant.
Genome position (GRCh38, 1-based): chr18:31,595,211, T>C. VCF-style: chr18-31595211-T-C. GRCh37 (hg19) VCF-style: chr18-29175174-T-C.
Other names: short protein forms Y98H.
Identifiers: ClinVar variation 4722536 (VCV004722536.1).
Genomic context (GRCh38, chr18:31,595,211, plus strand): 5'-CTCACAACTGAGGAGGAATTTGTAGAAGGGATATACAAAGTGGAAATAGACACCAAATCT[T>C]ACTGGAAGGCACTTGGCATCTCCCCATTCCATGAGCATGCAGAGGTGAGTATACAGACCT-3'
Protein context (NP_000362.1, residues 88-108): IYKVEIDTKS[Tyr98His]WKALGISPFH